The following is an entry in ClinVar:

NM_001711.6(BGN):c.886C>T (p.Leu296Phe)

Gene: BGN (biglycan; plus strand). Cytogenetic location: Xq28.
Variant type: single nucleotide variant.
Coding change: c.886C>T on transcript NM_001711.6 (MANE Select); coding-DNA position 886, C replaced by T.
Protein change: p.Leu296Phe; replaces leucine 296 with phenylalanine.
Molecular consequence: missense variant.
Genome position (GRCh38, 1-based): chrX:153,507,162, C>T. VCF-style: chrX-153507162-C-T. GRCh37 (hg19) VCF-style: chrX-152772620-C-T.
Other names: c.886C>T (NM_001711.5); short protein forms L296F.
Identifiers: ClinVar variation 3707462 (VCV003707462.3).

ClinVar aggregate classification (germline): Uncertain significance. Review status: criteria provided, multiple submitters, no conflicts (2 of 4 stars). 2 submissions from 2 submitters: Uncertain significance (2). Last evaluated 2024-07-10.

gnomAD v4.1: 1 of 1,203,267 alleles (0.000083%); highest among the groups gnomAD compares: South Asian, 0.0018%; no homozygotes.

Submissions (2):

Labcorp Genetics (formerly Invitae), Labcorp
Classification: Uncertain significance. Last evaluated: 2024-07-10. Review status: criteria provided, single submitter. Criteria: Invitae Variant Classification Sherloc (09022015). Collection method: clinical testing. Allele origin: germline.
Comment: This sequence change replaces leucine, which is neutral and non-polar, with phenylalanine, which is neutral and non-polar, at codon 296 of the BGN protein (p.Leu296Phe). This variant is not present in population databases (gnomAD no frequency). This variant has not been reported in the literature in individuals affected with BGN-related conditions. Advanced modeling of protein sequence and biophysical properties (such as structural, functional, and spatial information, amino acid conservation, physicochemical variation, residue mobility, and thermodynamic stability) performed at Invitae indicates that this missense variant is not expected to disrupt BGN protein function with a negative predictive value of 80%. In summary, the available evidence is currently insufficient to determine the role of this variant in disease. Therefore, it has been classified as a Variant of Uncertain Significance.

GeneDx
Classification: Uncertain significance. Last evaluated: 2022-12-22. Review status: criteria provided, single submitter. Criteria: GeneDx Variant Classification Process June 2021. Collection method: clinical testing. Allele origin: germline. Affected: yes.
Comment: Has not been previously published as pathogenic or benign to our knowledge; Not observed at significant frequency in large population cohorts (gnomAD); In silico analysis supports that this missense variant has a deleterious effect on protein structure/function; Variants in candidate genes are classified as variants of uncertain significance in accordance with ACMG guidelines (Richards et al., 2015)